The following is an entry in ClinVar:

ClinVar aggregate classification (germline): Benign/Likely benign. Review status: criteria provided, multiple submitters, no conflicts (2 of 4 stars). 8 submissions from 8 submitters: Benign (5); Likely benign (3). Last evaluated 2026-08-01.

Conditions:
Dilated cardiomyopathy 1JJ (CMD1JJ). Identifiers: Orphanet 154, MedGen C3808935, MONDO:0014095, OMIM 615235.

Allele frequency attached by ClinVar (database versions not stated): ExAC 0.00072; gnomAD 0.00240 and 0.00251; TOPMed 0.00262; gnomAD exomes 0.00060; ESP Exome Variant Server 0.00331; 1000 Genomes Project 0.00260; 1000 Genomes Project 30x 0.00297.
gnomAD v4.1: 749 of 1,613,812 alleles (0.046%); highest among the groups gnomAD compares: African/African-American, 0.91%; 4 homozygotes.

Submissions (8):

CeGaT Center for Human Genetics Tuebingen
Classification: Likely benign. Last evaluated: 2026-08-01. Review status: criteria provided, single submitter. Criteria: CeGaT Center For Human Genetics Tuebingen Variant Classification Criteria Version 2. Collection method: clinical testing. Allele origin: germline. Affected: yes. Observed: 2 variant alleles.
Comment: LAMA4: BP4, BP7

Labcorp Genetics (formerly Invitae), Labcorp
Classification: Benign for Dilated cardiomyopathy 1JJ. Last evaluated: 2026-01-26. Review status: criteria provided, single submitter. Criteria: Invitae Variant Classification Sherloc (09022015). Collection method: clinical testing. Allele origin: germline.

Women's Health and Genetics/Laboratory Corporation of America, LabCorp
Classification: Benign. Last evaluated: 2024-10-06. Review status: criteria provided, single submitter. Criteria: LabCorp Variant Classification Summary - May 2015. Collection method: clinical testing. Allele origin: germline.

Blueprint Genetics
Classification: Likely benign. Last evaluated: 2024-09-09. Review status: criteria provided, single submitter. Criteria: ACMG Guidelines, 2015. Collection method: clinical testing. Allele origin: germline.

ARUP Laboratories, Molecular Genetics and Genomics, ARUP Laboratories
Classification: Benign for Dilated cardiomyopathy 1JJ. Last evaluated: 2023-09-06. Review status: criteria provided, single submitter. Criteria: ARUP Molecular Germline Variant Investigation Process 2024. Collection method: clinical testing. Allele origin: germline.

Fulgent Genetics
Classification: Likely benign for Dilated cardiomyopathy 1JJ. Last evaluated: 2022-02-22. Review status: criteria provided, single submitter. Criteria: ACMG Guidelines, 2015. Collection method: clinical testing. Allele origin: unknown.

GeneDx
Classification: Benign. Last evaluated: 2014-05-15. Review status: criteria provided, single submitter. Criteria: GeneDx Variant Classification (06012015). Collection method: clinical testing. Allele origin: germline. Affected: yes.
Comment: This variant is considered likely benign or benign based on one or more of the following criteria: it is a conservative change, it occurs at a poorly conserved position in the protein, it is predicted to be benign by multiple in silico algorithms, and/or has population frequency not consistent with disease.

Laboratory for Molecular Medicine, Mass General Brigham Personalized Medicine
Classification: Benign. Last evaluated: 2012-03-19. Review status: criteria provided, single submitter. Criteria: LMM Criteria. Collection method: clinical testing. Allele origin: germline. Observed: 3 variant alleles.
Comment: p.Ser1431Ser in Exon 32 of LAMA4: This variant is not expected to have clinical significance because it does not alter an amino acid residue, is not located wit hin the splice consensus sequence and has been identified in 0.9% (33/3738) of A frican American chromosomes from a broad population by the NHLBI Exome Sequencin g Project (dbSNP rs77367833).

NM_001105206.3(LAMA4):c.4314A>C (p.Ser1438=)

Gene: LAMA4 (laminin subunit alpha 4; minus strand). Cytogenetic location: 6q21.
Variant type: single nucleotide variant.
Coding change: c.4314A>C on transcript NM_001105206.3 (MANE Select); coding-DNA position 4314, A replaced by C.
Protein change: p.Ser1438=; no amino-acid change (serine 1438 retained).
Molecular consequence: synonymous variant.
Genome position (GRCh38, 1-based): chr6:112,122,175, T>G on the plus strand (A>C on the coding strand, the complement: LAMA4 is on the minus strand). VCF-style: chr6-112122175-T-G. GRCh37 (hg19) VCF-style: chr6-112443378-T-G.
Other names: p.S1431S:TCA>TCC; c.4293A>C, p.Ser1431= (NM_002290.5, NM_001105207.3).
Identifiers: ClinVar variation 44387 (VCV000044387.40), dbSNP rs77367833, ClinGen allele CA282386.